The following is an entry in ClinVar:

NM_001171613.2(PREPL):c.229G>C (p.Asp77His)

Gene: PREPL (prolyl endopeptidase like; minus strand). Cytogenetic location: 2p21.
Variant type: single nucleotide variant.
Coding change: c.229G>C on transcript NM_001171613.2 (MANE Select); coding-DNA position 229, G replaced by C.
Protein change: p.Asp77His; replaces aspartic acid 77 with histidine.
Molecular consequence: missense variant.
Genome position (GRCh38, 1-based): chr2:44,343,865, C>G on the plus strand (G>C on the coding strand, the complement: PREPL is on the minus strand). VCF-style: chr2-44343865-C-G. GRCh37 (hg19) VCF-style: chr2-44571004-C-G.
Other names: c.229G>C, p.Asp77His (NM_001171617.1, NM_001374277.1); c.496G>C, p.Asp166His (NM_001374275.1, NM_001374276.1, NM_006036.4 and 4 more transcripts); short protein forms D166H, D77H.
Identifiers: ClinVar variation 2720760 (VCV002720760.3), dbSNP rs1487616388, ClinGen allele CA346693487.

ClinVar aggregate classification (germline): Uncertain significance (1 of 4 stars; one submission).

Conditions:
Myasthenic syndrome, congenital, 22 (CMS22). Also called: PREPL DEFICIENCY. Identifiers: MedGen C4479088, MONDO:0044299, OMIM 616224.

gnomAD v4.1: 10 of 1,614,024 alleles (0.00062%); highest among the groups gnomAD compares: Non-Finnish European, 0.00076%; no homozygotes.

Submission:

Labcorp Genetics (formerly Invitae), Labcorp
Classification: Uncertain significance for Myasthenic syndrome, congenital, 22. Last evaluated: 2023-08-11. Review status: criteria provided, single submitter. Criteria: Invitae Variant Classification Sherloc (09022015). Collection method: clinical testing. Allele origin: germline.
Comment: Advanced modeling of protein sequence and biophysical properties (such as structural, functional, and spatial information, amino acid conservation, physicochemical variation, residue mobility, and thermodynamic stability) performed at Invitae indicates that this missense variant is not expected to disrupt PREPL protein function. In summary, the available evidence is currently insufficient to determine the role of this variant in disease. Therefore, it has been classified as a Variant of Uncertain Significance. This variant has not been reported in the literature in individuals affected with PREPL-related conditions. This variant is present in population databases (no rsID available, gnomAD 0.0009%). This sequence change replaces aspartic acid, which is acidic and polar, with histidine, which is basic and polar, at codon 166 of the PREPL protein (p.Asp166His).